The following is an entry in ClinVar:

NM_032043.3(BRIP1):c.1332C>G (p.Ser444Arg)

Gene: BRIP1 (BRCA1 interacting DNA helicase 1; minus strand). Cytogenetic location: 17q23.2.
Variant type: single nucleotide variant.
Coding change: c.1332C>G on transcript NM_032043.3 (MANE Select); coding-DNA position 1332, C replaced by G.
Protein change: p.Ser444Arg; replaces serine 444 with arginine.
Molecular consequence: missense variant.
Genome position (GRCh38, 1-based): chr17:61,799,108, G>C on the plus strand (C>G on the coding strand, the complement: BRIP1 is on the minus strand). VCF-style: chr17-61799108-G-C. GRCh37 (hg19) VCF-style: chr17-59876469-G-C.
Other names: short protein forms S444R.
Identifiers: ClinVar variation 570984 (VCV000570984.14), dbSNP rs200581792, ClinGen allele CA400483328.

ClinVar aggregate classification (germline): Uncertain significance. Review status: criteria provided, multiple submitters, no conflicts (2 of 4 stars). 3 submissions from 3 submitters: Uncertain significance (3). Last evaluated 2025-12-06.

Conditions:
Hereditary cancer-predisposing syndrome. Also called: Hereditary neoplastic syndrome; Neoplastic Syndromes, Hereditary; Hereditary Cancer Syndrome; Tumor predisposition. Identifiers: Orphanet 140162, MedGen C0027672, MeSH D009386, MONDO:0015356.
Fanconi anemia complementation group J. Also called: BRIP1-Related Fanconi Anemia. Identifiers: Orphanet 84, MedGen C1836860, MONDO:0012187, OMIM 609054.
Familial cancer of breast. Also called: BREAST CANCER, FAMILIAL; hereditary breast carcinoma; Hereditary breast cancer. Identifiers: Orphanet 227535, MedGen C0346153, MONDO:0016419, OMIM 114480. Disease mechanism: loss of function.

Submissions (3):

Ambry Genetics
Classification: Uncertain significance for Hereditary cancer-predisposing syndrome. Last evaluated: 2025-12-06. Review status: criteria provided, single submitter. Criteria: Ambry Variant Classification Scheme 2023. Collection method: clinical testing. Allele origin: germline.
Comment: The p.S444R variant (also known as c.1332C>G), located in coding exon 8 of the BRIP1 gene, results from a C to G substitution at nucleotide position 1332. The serine at codon 444 is replaced by arginine, an amino acid with dissimilar properties. This amino acid position is conserved. In addition, the in silico prediction for this alteration is inconclusive. Since supporting evidence is limited at this time, the clinical significance of this alteration remains unclear.

Color Diagnostics, LLC DBA Color Health
Classification: Uncertain significance for Hereditary cancer-predisposing syndrome. Last evaluated: 2023-12-05. Review status: criteria provided, single submitter. Criteria: ACMG Guidelines, 2015. Collection method: clinical testing. Allele origin: germline.
Comment: This missense variant replaces serine with arginine at codon 444 of the BRIP1 protein. Computational prediction suggests that this variant may not impact protein structure and function (internally defined REVEL score threshold <= 0.5, PMID: 27666373). To our knowledge, functional studies have not been reported for this variant. This variant has not been reported in individuals affected with BRIP1-related disorders in the literature. This variant has not been identified in the general population by the Genome Aggregation Database (gnomAD). The available evidence is insufficient to determine the role of this variant in disease conclusively. Therefore, this variant is classified as a Variant of Uncertain Significance.

Labcorp Genetics (formerly Invitae), Labcorp
Classification: Uncertain significance for Familial cancer of breast; Fanconi anemia complementation group J. Last evaluated: 2023-03-04. Review status: criteria provided, single submitter. Criteria: Invitae Variant Classification Sherloc (09022015). Collection method: clinical testing. Allele origin: germline.
Comment: In summary, the available evidence is currently insufficient to determine the role of this variant in disease. Therefore, it has been classified as a Variant of Uncertain Significance. Advanced modeling of protein sequence and biophysical properties (such as structural, functional, and spatial information, amino acid conservation, physicochemical variation, residue mobility, and thermodynamic stability) has been performed at Invitae for this missense variant, however the output from this modeling did not meet the statistical confidence thresholds required to predict the impact of this variant on BRIP1 protein function. ClinVar contains an entry for this variant (Variation ID: 570984). This variant has not been reported in the literature in individuals affected with BRIP1-related conditions. This variant is not present in population databases (gnomAD no frequency). This sequence change replaces serine, which is neutral and polar, with arginine, which is basic and polar, at codon 444 of the BRIP1 protein (p.Ser444Arg).